The following is an entry in ClinVar:

ClinVar aggregate classification (germline): Uncertain significance (1 of 4 stars; one submission).

Conditions:
Cardiovascular phenotype. Identifiers: MedGen CN230736.

Allele frequency attached by ClinVar (database versions not stated): gnomAD 0.00002; TOPMed 0.00002.
gnomAD v4.1: 3 of 1,613,090 alleles (0.00019%); highest among the groups gnomAD compares: African/African-American, 0.004%; no homozygotes.

Submission:

Ambry Genetics
Classification: Uncertain significance for Cardiovascular phenotype. Last evaluated: 2023-12-25. Review status: criteria provided, single submitter. Criteria: Ambry Variant Classification Scheme 2023. Collection method: clinical testing. Allele origin: germline.
Comment: The p.I3789M variant (also known as c.11367A>G), located in coding exon 43 of the ANK2 gene, results from an A to G substitution at nucleotide position 11367. The isoleucine at codon 3789 is replaced by methionine, an amino acid with highly similar properties. This amino acid position is conserved. In addition, this alteration is predicted to be tolerated by in silico analysis. Since supporting evidence is limited at this time, the clinical significance of this alteration remains unclear.

NM_001148.6(ANK2):c.11367A>G (p.Ile3789Met)

Gene: ANK2 (ankyrin 2; plus strand). Cytogenetic location: 4q26.
Variant type: single nucleotide variant.
Coding change: c.11367A>G on transcript NM_001148.6 (MANE Select); coding-DNA position 11367, A replaced by G.
Protein change: p.Ile3789Met; replaces isoleucine 3789 with methionine.
Molecular consequence: missense variant.
Genome position (GRCh38, 1-based): chr4:113,369,562, A>G. VCF-style: chr4-113369562-A-G. GRCh37 (hg19) VCF-style: chr4-114290718-A-G.
Other names: c.5085A>G, p.Ile1695Met (NM_001127493.3); c.5124A>G, p.Ile1708Met (NM_001354225.2); c.5013A>G, p.Ile1671Met (NM_001354228.2, NM_001354258.2); c.5091A>G, p.Ile1697Met (NM_001354230.2); c.5154A>G, p.Ile1718Met (NM_001354231.2, NM_001354242.2); c.5148A>G, p.Ile1716Met (NM_001354232.2); c.5109A>G, p.Ile1703Met (NM_001354235.2, NM_001354246.2, NM_001354265.2); c.5010A>G, p.Ile1670Met (NM_001354236.2); and 35 more; short protein forms I1543M, I1576M, I1604M, I1609M, I1617M, I1626M, I1629M, I1631M.
Identifiers: ClinVar variation 3220958 (VCV003220958.1), dbSNP rs953222480, ClinGen allele CA103823672.
Genomic context (GRCh38, chr4:113,369,562, plus strand): 5'-TTTTGATTCCAGTGTGACAACTCCAGGAACAGAAACATCAGAGACTCAGAAGGCTATGAT[A>G]GTACCCAGCTCTCCCAGCAAGACACCTGAGGAAGTTAGCACCCCTGCAGAGGAGGAGAAG-3'
Protein context (NP_001139.3, residues 3779-3799): TETSETQKAM[Ile3789Met]VPSSPSKTPE